The following is an entry in ClinVar:

ClinVar aggregate classification (germline): Pathogenic (1 of 4 stars; one submission).

Conditions:
Primary ciliary dyskinesia 3. Identifiers: Orphanet 244, MedGen C1837618, MONDO:0012085, OMIM 608644.

Submission:

Myriad Genetics, Inc.
Classification: Pathogenic for Primary ciliary dyskinesia 3. Last evaluated: 2025-09-03. Review status: criteria provided, single submitter. Criteria: Myriad Autosomal Dominant, Autosomal Recessive and X-Linked Classification Criteria (2023). Collection method: clinical testing. Allele origin: unknown.
Comment: NM_001369.2(DNAH5):c.436C>T(Q146*) is expected to be pathogenic in the context of primary ciliary dyskinesia, DNAH5-related. This variant is predicted to lead to an abnormal or absent protein product due to the creation of a premature termination codon in DNAH5, a gene where loss-of-function variants are known to be pathogenic. Please note: this variant was assessed in the context of healthy population screening.

NM_001369.3(DNAH5):c.436C>T (p.Gln146Ter)

Gene: DNAH5 (dynein axonemal heavy chain 5; minus strand). Cytogenetic location: 5p15.2.
Variant type: single nucleotide variant.
Coding change: c.436C>T on transcript NM_001369.3 (MANE Select); coding-DNA position 436, C replaced by T.
Protein change: p.Gln146Ter; replaces glutamine 146 with a stop codon.
Molecular consequence: nonsense.
Genome position (GRCh38, 1-based): chr5:13,923,282, G>A on the plus strand (C>T on the coding strand, the complement: DNAH5 is on the minus strand). VCF-style: chr5-13923282-G-A. GRCh37 (hg19) VCF-style: chr5-13923391-G-A.
Other names: short protein forms Q146*.
Identifiers: ClinVar variation 5010468 (VCV005010468.1).